The following is an entry in ClinVar:

NM_144991.3(TSPEAR):c.1162G>A (p.Val388Met)

Gene: TSPEAR (thrombospondin type laminin G domain and EAR repeats; minus strand). Cytogenetic location: 21q22.3.
Variant type: single nucleotide variant.
Coding change: c.1162G>A on transcript NM_144991.3 (MANE Select); coding-DNA position 1162, G replaced by A.
Protein change: p.Val388Met; replaces valine 388 with methionine.
Molecular consequence: missense variant.
Genome position (GRCh38, 1-based): chr21:44,525,827, C>T on the plus strand (G>A on the coding strand, the complement: TSPEAR is on the minus strand). VCF-style: chr21-44525827-C-T. GRCh37 (hg19) VCF-style: chr21-45945710-C-T.
Other names: c.958G>A, p.Val320Met (NM_001272037.2); short protein forms V320M, V388M.
Identifiers: ClinVar variation 1065091 (VCV001065091.3), dbSNP rs1318971093, ClinGen allele CA410439894.
Genomic context (GRCh38, chr21:44,525,827, plus strand): 5'-GGCTCCATTTGTAAATGACAGAGAACTCCTGACCCTTCTCATCTGGTTCAAAATTAGCCA[C>T]TGCCAGGAAGATCTGAAAGAGAGTAAACCGGGACCACGTGGTTCTGCTTGGGTCGGTGCC-3'
Protein context (NP_659428.2, residues 378-398): FTIGKKIFLA[Val388Met]ANFEPDEKGQ

ClinVar aggregate classification (germline): Uncertain significance (1 of 4 stars; one submission).

Conditions:
Hearing impairment. Also called: Impaired Hearing. Identifiers: MedGen C1384666, MONDO:0005365, HP:0000365.

Allele frequency attached by ClinVar (database versions not stated): TOPMed below 0.00001; gnomAD 0.00001; gnomAD exomes 0.00001.
gnomAD v4.1: 6 of 1,614,006 alleles (0.00037%); highest among the groups gnomAD compares: Middle Eastern, 0.033%; no homozygotes.

Submission:

Department of Otolaryngology – Head & Neck Surgery, Cochlear Implant Center
Classification: Uncertain significance for Hearing impairment. Last evaluated: 2021-04-12. Review status: criteria provided, single submitter. Criteria: ClinGen HL ACMG Specifications v1. Collection method: clinical testing. Allele origin: germline. Affected: yes.
Comment: PM2_Moderate, PP3_Supporting